The following is an entry in ClinVar:

ClinVar aggregate classification (germline): Uncertain significance (1 of 4 stars; one submission).

Submission:

Labcorp Genetics (formerly Invitae), Labcorp
Classification: Uncertain significance. Last evaluated: 2023-10-22. Review status: criteria provided, single submitter. Criteria: Invitae Variant Classification Sherloc (09022015). Collection method: clinical testing. Allele origin: germline.
Comment: This sequence change replaces glutamic acid, which is acidic and polar, with lysine, which is basic and polar, at codon 1224 of the MAGEL2 protein (p.Glu1224Lys). This variant is not present in population databases (gnomAD no frequency). This variant has not been reported in the literature in individuals affected with MAGEL2-related conditions. Advanced modeling of protein sequence and biophysical properties (such as structural, functional, and spatial information, amino acid conservation, physicochemical variation, residue mobility, and thermodynamic stability) performed at Invitae indicates that this missense variant is not expected to disrupt MAGEL2 protein function. In summary, the available evidence is currently insufficient to determine the role of this variant in disease. Therefore, it has been classified as a Variant of Uncertain Significance.

NM_019066.5(MAGEL2):c.3670G>A (p.Glu1224Lys)

Gene: MAGEL2 (MAGE family member L2; minus strand). Cytogenetic location: 15q11.2.
Variant type: single nucleotide variant.
Coding change: c.3670G>A on transcript NM_019066.5 (MANE Select); coding-DNA position 3670, G replaced by A.
Protein change: p.Glu1224Lys; replaces glutamic acid 1224 with lysine.
Molecular consequence: missense variant.
Genome position (GRCh38, 1-based): chr15:23,644,073, C>T on the plus strand (G>A on the coding strand, the complement: MAGEL2 is on the minus strand). VCF-style: chr15-23644073-C-T. GRCh37 (hg19) VCF-style: chr15-23889220-C-T.
Other names: short protein forms E1224K.
Identifiers: ClinVar variation 2779596 (VCV002779596.3), dbSNP rs1349726202, ClinGen allele CA391321302.